The following is an entry in ClinVar:

NM_001283009.2(RTEL1):c.3370C>T (p.His1124Tyr)

Genes: RTEL1 (regulator of telomere elongation helicase 1; plus strand), RTEL1-TNFRSF6B (RTEL1-TNFRSF6B readthrough (NMD candidate); plus strand). Cytogenetic location: 20q13.33.
Variant type: single nucleotide variant.
Coding change: c.3370C>T on transcript NM_001283009.2 (MANE Select); coding-DNA position 3370, C replaced by T.
Protein change: p.His1124Tyr; replaces histidine 1124 with tyrosine.
Molecular consequence: missense variant. On other transcripts: non-coding transcript variant (1).
Genome position (GRCh38, 1-based): chr20:63,695,092, C>T. VCF-style: chr20-63695092-C-T. GRCh37 (hg19) VCF-style: chr20-62326445-C-T.
Other names: c.2701C>T, p.His901Tyr (NM_001283010.1); c.3370C>T, p.His1124Tyr (NM_016434.4); c.3442C>T, p.His1148Tyr (NM_032957.5); short protein forms H1148Y, H1124Y, H901Y.
Identifiers: ClinVar variation 4784448 (VCV004784448.1).

ClinVar aggregate classification (germline): Uncertain significance (1 of 4 stars; one submission).

Conditions:
Dyskeratosis congenita, autosomal recessive 5 (DKCB5). Identifiers: MedGen C3554656, MONDO:0014076, OMIM 615190.
Pulmonary fibrosis and/or bone marrow failure, Telomere-related, 3. Also called: PULMONARY FIBROSIS AND/OR BONE MARROW FAILURE SYNDROME, TELOMERE-RELATED, 3. Identifiers: Orphanet 2032, MedGen C4225346, MONDO:0014613, OMIM 616373.

gnomAD v4.1: 2 of 1,612,258 alleles (0.00012%); highest among the groups gnomAD compares: Non-Finnish European, 0.000085%; no homozygotes.

Submission:

Labcorp Genetics (formerly Invitae), Labcorp
Classification: Uncertain significance for Dyskeratosis congenita, autosomal recessive 5; Pulmonary fibrosis and/or bone marrow failure, Telomere-related, 3. Last evaluated: 2025-10-16. Review status: criteria provided, single submitter. Criteria: Invitae Variant Classification Sherloc (09022015). Collection method: clinical testing. Allele origin: germline.
Comment: This sequence change replaces histidine, which is basic and polar, with tyrosine, which is neutral and polar, at codon 1124 of the RTEL1 protein (p.His1124Tyr). This variant is not present in population databases (gnomAD no frequency). This variant has not been reported in the literature in individuals affected with RTEL1-related conditions. An algorithm developed to predict the effect of missense changes on protein structure and function (PolyPhen-2) suggests that this variant is likely to be disruptive. In summary, the available evidence is currently insufficient to determine the role of this variant in disease. Therefore, it has been classified as a Variant of Uncertain Significance.